The following is an entry in ClinVar:

NM_004415.4(DSP):c.3981C>G (p.Ile1327Met)

Gene: DSP (desmoplakin; plus strand). Cytogenetic location: 6p24.3.
Variant type: single nucleotide variant.
Coding change: c.3981C>G on transcript NM_004415.4 (MANE Select); coding-DNA position 3981, C replaced by G.
Protein change: p.Ile1327Met; replaces isoleucine 1327 with methionine.
Molecular consequence: missense variant. On other transcripts: intron variant (1).
Genome position (GRCh38, 1-based): chr6:7,580,171, C>G. VCF-style: chr6-7580171-C-G. GRCh37 (hg19) VCF-style: chr6-7580404-C-G.
Other names: c.3981C>G, p.Ile1327Met (NM_001319034.2); c.3582+399C>G (NM_001008844.3); short protein forms I1327M.
Identifiers: ClinVar variation 926057 (VCV000926057.5), dbSNP rs397516934, ClinGen allele CA362685282.

ClinVar aggregate classification (germline): Uncertain significance (1 of 4 stars; one submission).

Conditions:
Cardiomyopathy (CMYO). Also called: Cardiomyopathies. Identifiers: Orphanet 167848, MedGen C0878544, MONDO:0004994, HP:0001638. Inheritance: Various modes of inheritance.

gnomAD v4.1: 2 of 1,613,914 alleles (0.00012%); highest among the groups gnomAD compares: South Asian, 0.0011%; no homozygotes.

Submission:

Color Diagnostics, LLC DBA Color Health
Classification: Uncertain significance for Cardiomyopathy. Last evaluated: 2023-12-05. Review status: criteria provided, single submitter. Criteria: ACMG Guidelines, 2015. Collection method: clinical testing. Allele origin: germline.
Comment: Variant of Uncertain Significance due to insufficient evidence: This missense variant replaces isoleucine with methionine at codon 1327 of the DSP protein. Computational prediction tools and conservation analyses are inconclusive regarding the impact of this variant on the protein function. Computational splicing tools suggest that this variant may not impact RNA splicing. To our knowledge, functional assays have not been performed for this variant nor has this variant been reported in individuals affected with cardiovascular disorders in the literature. This variant is rare in the general population and has been identified in 0/277264 chromosomes by the Genome Aggregation Database (gnomAD). Available evidence is insufficient to determine the role of this variant in disease conclusively.